The following is an entry in ClinVar:

NM_001267550.2(TTN):c.7392T>C (p.Leu2464=)

Genes: TTN (titin; minus strand), LOC126806433 (BRD4-independent group 4 enhancer GRCh37_chr2:179638309-179639508; plus strand). Cytogenetic location: 2q31.2.
Variant type: single nucleotide variant.
Coding change: c.7392T>C on transcript NM_001267550.2 (MANE Select); coding-DNA position 7392, T replaced by C.
Protein change: p.Leu2464=; no amino-acid change (leucine 2464 retained).
Molecular consequence: synonymous variant.
Genome position (GRCh38, 1-based): chr2:178,773,664, A>G on the plus strand (T>C on the coding strand, the complement: TTN is on the minus strand). VCF-style: chr2-178773664-A-G. GRCh37 (hg19) VCF-style: chr2-179638391-A-G.
Other names: c.7392T>C, p.Leu2464= (NM_001256850.1, NM_133379.5, NM_133378.4); c.7254T>C, p.Leu2418= (NM_003319.4, NM_133432.3, NM_133437.4).
Identifiers: ClinVar variation 228148 (VCV000228148.28), dbSNP rs565784637, ClinGen allele CA2004816.

ClinVar aggregate classification (germline): Conflicting classifications of pathogenicity. Review status: criteria provided, conflicting classifications (1 of 4 stars). 7 submissions from 7 submitters: Uncertain significance (1); Likely benign (6). Last evaluated 2025-12-03.

Conditions:
Autosomal recessive limb-girdle muscular dystrophy type 2J (LGMDR10). Also called: Limb-girdle muscular dystrophy, type 2J; MUSCULAR DYSTROPHY, LIMB-GIRDLE, AUTOSOMAL RECESSIVE 10. Identifiers: Orphanet 140922, MedGen C1837342, MONDO:0012127, OMIM 608807.
Dilated cardiomyopathy 1G (CMD1G). Identifiers: Orphanet 154, MedGen C1858763, MONDO:0011400, OMIM 604145.
Cardiomyopathy (CMYO). Also called: Cardiomyopathies. Identifiers: Orphanet 167848, MedGen C0878544, MONDO:0004994, HP:0001638. Inheritance: Various modes of inheritance.
Cardiovascular phenotype. Identifiers: MedGen CN230736.

Allele frequency attached by ClinVar (database versions not stated): gnomAD exomes 0.00001 and 0.00006; gnomAD 0.00002 and 0.00005; TOPMed 0.00003; ExAC 0.00006; 1000 Genomes Project 0.00080; 1000 Genomes Project 30x 0.00094.
gnomAD v4.1: 24 of 1,613,970 alleles (0.0015%); highest among the groups gnomAD compares: East Asian, 0.049%; no homozygotes.

Submissions (7):

Labcorp Genetics (formerly Invitae), Labcorp
Classification: Likely benign for Dilated cardiomyopathy 1G; Autosomal recessive limb-girdle muscular dystrophy type 2J. Last evaluated: 2025-12-03. Review status: criteria provided, single submitter. Criteria: Invitae Variant Classification Sherloc (09022015). Collection method: clinical testing. Allele origin: germline.

CHEO Genetics Diagnostic Laboratory, Children's Hospital of Eastern Ontario
Classification: Likely benign for Cardiomyopathy. Last evaluated: 2020-09-01. Review status: criteria provided, single submitter. Criteria: ACMG Guidelines, 2015. Collection method: clinical testing. Allele origin: germline.

GeneDx
Classification: Likely benign. Last evaluated: 2020-08-12. Review status: criteria provided, single submitter. Criteria: GeneDx Variant Classification Process June 2021. Collection method: clinical testing. Allele origin: germline. Affected: yes.

Blueprint Genetics
Classification: Likely benign. Last evaluated: 2019-10-11. Review status: criteria provided, single submitter. Criteria: ACMG Guidelines, 2015. Collection method: clinical testing. Allele origin: germline.

Ambry Genetics
Classification: Likely benign for Cardiovascular phenotype. Last evaluated: 2019-07-17. Review status: criteria provided, single submitter. Criteria: Ambry Variant Classification Scheme 2023. Collection method: clinical testing. Allele origin: germline.

Eurofins Ntd Llc (ga)
Classification: Uncertain significance. Last evaluated: 2015-10-16. Review status: criteria provided, single submitter. Criteria: EGL Classification Definitions 2015. Collection method: clinical testing. Allele origin: germline. Observed: 1 variant allele, 1 heterozygote.

Laboratory for Molecular Medicine, Mass General Brigham Personalized Medicine
Classification: Likely benign. Last evaluated: 2015-03-11. Review status: criteria provided, single submitter. Criteria: LMM Criteria. Collection method: clinical testing. Allele origin: germline. Observed: 1 variant allele.
Comment: p.Leu2464Leu in exon 32 of TTN: This variant is not expected to have clinical si gnificance because it does not alter an amino acid residue and is not located wi thin the splice consensus sequence. It has been identified in 6/8570 East Asian chromosomes by the Exome Aggregation Consortium (ExAC).